The following is an entry in ClinVar:

ClinVar aggregate classification (germline): Uncertain significance (1 of 4 stars; one submission).

Conditions:
Primary familial hypertrophic cardiomyopathy (HCM). Identifiers: Orphanet 99739, MedGen C0949658, MeSH D024741, MONDO:0024573. Inheritance: Various modes of inheritance.

Submission:

Labcorp Genetics (formerly Invitae), Labcorp
Classification: Uncertain significance for Primary familial hypertrophic cardiomyopathy. Last evaluated: 2023-05-09. Review status: criteria provided, single submitter. Criteria: Invitae Variant Classification Sherloc (09022015). Collection method: clinical testing. Allele origin: germline.
Comment: This variant has not been reported in the literature in individuals affected with ILK-related conditions. In summary, the available evidence is currently insufficient to determine the role of this variant in disease. Therefore, it has been classified as a Variant of Uncertain Significance. An algorithm developed to predict the effect of missense changes on protein structure and function (PolyPhen-2) suggests that this variant is likely to be disruptive. This variant is not present in population databases (gnomAD no frequency). This sequence change replaces leucine, which is neutral and non-polar, with phenylalanine, which is neutral and non-polar, at codon 320 of the ILK protein (p.Leu320Phe).

NM_004517.4(ILK):c.958C>T (p.Leu320Phe)

Genes: TAF10 (TATA-box binding protein associated factor 10; minus strand), ILK (integrin linked kinase; plus strand). Cytogenetic location: 11p15.4.
Variant type: single nucleotide variant.
Coding change: c.958C>T on transcript NM_004517.4 (MANE Select); coding-DNA position 958, C replaced by T.
Protein change: p.Leu320Phe; replaces leucine 320 with phenylalanine.
Molecular consequence: missense variant. On other transcripts: 3 prime UTR variant (1).
Genome position (GRCh38, 1-based): chr11:6,609,825, C>T. VCF-style: chr11-6609825-C-T. GRCh37 (hg19) VCF-style: chr11-6631056-C-T.
Other names: c.958C>T, p.Leu320Phe (NM_001014794.3, NM_001014795.3); c.775C>T, p.Leu259Phe (NM_001278441.2); c.556C>T, p.Leu186Phe (NM_001278442.2); c.*1097G>A (NM_006284.4); short protein forms L259F, L186F, L320F.
Identifiers: ClinVar variation 2807874 (VCV002807874.3), dbSNP rs912510389, ClinGen allele CA379465780.